The following is an entry in ClinVar:

NM_003998.4(NFKB1):c.1890dup (p.Val631fs)

Gene: NFKB1 (nuclear factor kappa B subunit 1; plus strand). Cytogenetic location: 4q24.
Variant type: Duplication.
Coding change: c.1890dup on transcript NM_003998.4 (MANE Select); coding-DNA position 1890, one base duplicated (A; older notation c.1890dupA).
Protein change: p.Val631fs; shifts the reading frame from valine 631.
Molecular consequence: frameshift variant.
Genome position (GRCh38, 1-based): chr4:102,606,633, A duplicated; the last of 3 consecutive A bases (chr4:102,606,631-102,606,633); duplicating any one gives the same sequence. VCF-style (leftmost placement, unchanged base first): chr4-102606630-T-TA. GRCh37 (hg19) VCF-style: chr4-103527787-T-TA.
Other names: c.1887dup, p.Val630fs (NM_001165412.2, NM_001319226.2, NM_001382627.1); c.1890dup, p.Val631fs (NM_001382625.1, NM_001382626.1); c.1848dup, p.Val617fs (NM_001382628.1); short protein forms V631fs, V617fs, V630fs.
Identifiers: ClinVar variation 5006713 (VCV005006713.2).

ClinVar aggregate classification (germline): Likely pathogenic (1 of 4 stars; one submission).

Conditions:
Immunodeficiency, common variable, 12 (CVID12). Also called: IMMUNODEFICIENCY, COMMON VARIABLE, 12, WITH AUTOIMMUNITY; NFKB1 DEFICIENCY. Identifiers: Orphanet 1572, Orphanet 696874, MedGen C4225277, MONDO:0014697, OMIM 616576.

Submission:

Juno Genomics, Hangzhou Juno Genomics, Inc
Classification: Likely pathogenic for Immunodeficiency, common variable, 12. Review status: criteria provided, single submitter. Criteria: ACMG Guidelines, 2015. Collection method: clinical testing. Allele origin: germline.
Comment: Null variant in a gene where loss of function (LOF) is a known mechanism of disease.;Absent from controls (or at extremely low frequency if recessive) in Genome Aggregation Database.